The following is an entry in ClinVar:

ClinVar aggregate classification (germline): Uncertain significance. Review status: criteria provided, single submitter (1 of 4 stars). 2 submissions from 2 submitters: Uncertain significance (1). 1 of the submissions does not count toward it. Last evaluated 2022-06-24.

Conditions:
CELSR1-related disorder. Also called: CELSR1-related condition.

Allele frequency attached by ClinVar (database versions not stated): gnomAD exomes below 0.00001.
gnomAD v4.1: 1 of 1,613,182 alleles (0.000062%); highest among the groups gnomAD compares: East Asian, 0.0022%; no homozygotes.

Submissions (2):

Ambry Genetics
Classification: Uncertain significance. Last evaluated: 2022-06-24. Review status: criteria provided, single submitter. Criteria: Ambry Variant Classification Scheme 2023. Collection method: clinical testing. Allele origin: germline.

PreventionGenetics, part of Exact Sciences
Classification: Uncertain significance for CELSR1-related condition. Last evaluated: 2024-01-24. Review status: no assertion criteria provided. Collection method: clinical testing. Allele origin: germline. Not counted in ClinVar's aggregate classification.
Comment: The CELSR1 c.7568A>G variant is predicted to result in the amino acid substitution p.Asn2523Ser. To our knowledge, this variant has not been reported in the literature or in a large population database, indicating this variant is rare. At this time, the clinical significance of this variant is uncertain due to the absence of conclusive functional and genetic evidence.

NM_001378328.1(CELSR1):c.7568A>G (p.Asn2523Ser)

Genes: CELSR1 (cadherin EGF LAG seven-pass G-type receptor 1; minus strand), LOC121627952 (CDK7 strongly-dependent group 2 enhancer GRCh37_chr22:46772879-46774078; plus strand). Cytogenetic location: 22q13.31.
Variant type: single nucleotide variant.
Coding change: c.7568A>G on transcript NM_001378328.1 (MANE Select); coding-DNA position 7568, A replaced by G.
Protein change: p.Asn2523Ser; replaces asparagine 2523 with serine.
Molecular consequence: missense variant.
Genome position (GRCh38, 1-based): chr22:46,377,077, T>C on the plus strand (A>G on the coding strand, the complement: CELSR1 is on the minus strand). VCF-style: chr22-46377077-T-C. GRCh37 (hg19) VCF-style: chr22-46772974-T-C.
Other names: c.7568A>G, p.Asn2523Ser (NM_014246.4); short protein forms N2523S.
Identifiers: ClinVar variation 2297156 (VCV002297156.4), dbSNP rs2518290250, ClinGen allele CA411931649.
Genomic context (GRCh38, chr22:46,377,077, plus strand): 5'-AAGCTGCGGCCCAGACAGTGGGGAGGGGAGCAGAGTGGCCATACCGGGTTTTCCGTCTGG[T>C]TGATCCCAATCACGAACACCAGCTGAGAGAGGAAGAGCGCCACGGCGAGGTGCTTGTGAA-3'
Protein context (NP_001365257.1, residues 2513-2533): LSQLVFVIGI[Asn2523Ser]QTENPFLCTV